The following is an entry in ClinVar:

ClinVar aggregate classification (germline): Uncertain significance (1 of 4 stars; one submission).

Conditions:
Isolated microphthalmia 6. Also called: MICROPHTHALMIA, POSTERIOR NONSYNDROMIC. Identifiers: Orphanet 2542, MedGen C3150757, MONDO:0013293, OMIM 613517.

Allele frequency attached by ClinVar (database versions not stated): TOPMed below 0.00001; gnomAD 0.00001.
gnomAD v4.1: 1 of 1,523,812 alleles (0.000066%); highest among the groups gnomAD compares: Admixed American, 0.002%; no homozygotes.

Submission:

3billion
Classification: Uncertain significance for Isolated microphthalmia 6. Last evaluated: 2022-01-03. Review status: criteria provided, single submitter. Criteria: ACMG Guidelines, 2015. Collection method: clinical testing. Allele origin: germline. Affected: yes. Observed: 1 heterozygote.
Comment: The variant not observed in the gnomAD v2.1.1 dataset (PM2_M). The variant has been reported to be in trans with a pathogenic variant (NM_001195129.2:c.1066dup) as compound heterozygous (3billion dataset, PM3_M). A missense variant is a common mechanism associated with Microphthalmia (PP2_P). In silico tool predictions suggest no damaging effect of the variant on gene or gene product (3Cnet: 0.022, BP4_P). Therefore, this variant is classified as uncertain significance according to the recommendation of ACMG/AMP guideline.

NM_001195129.2(PRSS56):c.1222C>G (p.Leu408Val)

Gene: PRSS56 (serine protease 56; plus strand). Cytogenetic location: 2q37.1.
Variant type: single nucleotide variant.
Coding change: c.1222C>G on transcript NM_001195129.2 (MANE Select); coding-DNA position 1222, C replaced by G.
Protein change: p.Leu408Val; replaces leucine 408 with valine.
Molecular consequence: missense variant.
Genome position (GRCh38, 1-based): chr2:232,524,074, C>G. VCF-style: chr2-232524074-C-G. GRCh37 (hg19) VCF-style: chr2-233388784-C-G.
Other names: c.1225C>G, p.Leu409Val (NM_001369848.1); short protein forms L408V, L409V.
Identifiers: ClinVar variation 1333396 (VCV001333396.1), dbSNP rs1039437230, ClinGen allele CA66949183.